The following is an entry in ClinVar:

ClinVar aggregate classification (germline): Uncertain significance. Review status: criteria provided, multiple submitters, no conflicts (2 of 4 stars). 2 submissions from 2 submitters: Uncertain significance (2). Last evaluated 2026-09-03.

Conditions:
Neurofibromatosis, type 1 (NF1). Also called: VON RECKLINGHAUSEN DISEASE; Peripheral type neurofibromatosis; NEUROFIBROMATOSIS, TYPE I, SOMATIC; Neurofibromatosis, type I. Identifiers: Orphanet 636, MedGen C0027831, MONDO:0018975, OMIM 162200. Disease mechanism: loss of function.
Hereditary cancer-predisposing syndrome. Also called: Hereditary Cancer Syndrome; Hereditary neoplastic syndrome; Neoplastic Syndromes, Hereditary; Tumor predisposition. Identifiers: Orphanet 140162, MedGen C0027672, MeSH D009386, MONDO:0015356.
Cardiovascular phenotype. Identifiers: MedGen CN230736.

Submissions (2):

Ambry Genetics
Classification: Uncertain significance for Cardiovascular phenotype; Hereditary cancer-predisposing syndrome. Last evaluated: 2026-09-03. Review status: criteria provided, single submitter. Criteria: Ambry Variant Classification Scheme 2023. Collection method: clinical testing. Allele origin: germline.
Comment: The c.1657C>T variant (also known as p.H553Y), located in coding exon 15 of the NF1 gene, results from a C to T substitution at nucleotide position 1657. The histidine at codon 553 is replaced by tyrosine, an amino acid with similar properties. This nucleotide position is highly conserved in available vertebrate species. This amino acid position is highly conserved in available vertebrate species. Another variant at the same codon, p.H553R (c.1658A>G) has been identified in individual(s) with features consistent with NF1 (Yao R et al. Genes (Basel). 2019 10;10; Demir G&uuml;ndoan B et al. Turk J Med Sci. 2021 Aug; Ambry internal data). In silico splice site analysis predicts that this alteration may weaken the native splice acceptor site; however, direct evidence is insufficient at this time (Ambry internal data). In addition, as a missense substitution this is predicted to be deleterious by in silico analysis. Based on the available evidence, the clinical significance of this variant remains unclear.

Labcorp Genetics (formerly Invitae), Labcorp
Classification: Uncertain significance for Neurofibromatosis, type 1. Last evaluated: 2024-09-04. Review status: criteria provided, single submitter. Criteria: Invitae Variant Classification Sherloc (09022015). Collection method: clinical testing. Allele origin: germline.
Comment: This sequence change replaces histidine, which is basic and polar, with tyrosine, which is neutral and polar, at codon 553 of the NF1 protein (p.His553Tyr). This variant is not present in population databases (gnomAD no frequency). This variant has not been reported in the literature in individuals affected with NF1-related conditions. Invitae Evidence Modeling of protein sequence and biophysical properties (such as structural, functional, and spatial information, amino acid conservation, physicochemical variation, residue mobility, and thermodynamic stability) indicates that this missense variant is expected to disrupt NF1 protein function with a positive predictive value of 95%. Algorithms developed to predict the effect of sequence changes on RNA splicing suggest that this variant may disrupt the consensus splice site. This variant disrupts the p.His553 amino acid residue in NF1. Other variant(s) that disrupt this residue have been determined to be pathogenic (PMID: 16944272, 27322474, 27838393). This suggests that this residue is clinically significant, and that variants that disrupt this residue are likely to be disease-causing. In summary, the available evidence is currently insufficient to determine the role of this variant in disease. Therefore, it has been classified as a Variant of Uncertain Significance.

Literature cited by the submitters: PubMed 16944272 (cited by Labcorp Genetics (formerly Invitae), Labcorp); PubMed 27322474 (cited by Labcorp Genetics (formerly Invitae), Labcorp); PubMed 27838393 (cited by Labcorp Genetics (formerly Invitae), Labcorp).

NM_001042492.3(NF1):c.1657C>T (p.His553Tyr)

Gene: NF1 (neurofibromin 1; plus strand). Cytogenetic location: 17q11.2.
Variant type: single nucleotide variant.
Coding change: c.1657C>T on transcript NM_001042492.3 (MANE Select); coding-DNA position 1657, C replaced by T.
Protein change: p.His553Tyr; replaces histidine 553 with tyrosine.
Molecular consequence: missense variant.
Genome position (GRCh38, 1-based): chr17:31,221,865, C>T. VCF-style: chr17-31221865-C-T. GRCh37 (hg19) VCF-style: chr17-29548883-C-T.
Other names: c.1657C>T, p.His553Tyr (NM_000267.4, NM_001128147.3); short protein forms H553Y.
Identifiers: ClinVar variation 2793139 (VCV002793139.4), dbSNP rs2144003901, ClinGen allele CA399002237.